The following is an entry in ClinVar:

ClinVar aggregate classification (germline): Uncertain significance (1 of 4 stars; one submission).

Conditions:
Autosomal recessive spastic paraplegia type 78. Identifiers: Orphanet 513436, MedGen C5567893, MONDO:0014975, OMIM 617225.
Kufor-Rakeb syndrome (KRS). Also called: PARKINSON DISEASE 9, AUTOSOMAL RECESSIVE, JUVENILE-ONSET. Identifiers: Orphanet 306674, Orphanet 314632, MedGen C1847640, MONDO:0011706, OMIM 606693.

Submission:

Labcorp Genetics (formerly Invitae), Labcorp
Classification: Uncertain significance for Kufor-Rakeb syndrome; Autosomal recessive spastic paraplegia type 78. Last evaluated: 2017-04-11. Review status: criteria provided, single submitter. Criteria: Invitae Variant Classification Sherloc (09022015). Collection method: clinical testing. Allele origin: germline.
Comment: This variant is not present in population databases (ExAC no frequency) and has not been reported in the literature in individuals with a ATP13A2-related disease. In summary, this variant is a novel missense change that is not predicted to affect protein function. There is no indication that it causes disease, but the available evidence is currently insufficient to prove that conclusively. Therefore, it has been classified as a Variant of Uncertain Significance. Algorithms developed to predict the effect of missense changes on protein structure and function (SIFT, PolyPhen-2, Align-GVGD) all suggest that this variant is likely to be tolerated, but these predictions have not been confirmed by published functional studies. This sequence change replaces leucine with valine at codon 531 of the ATP13A2 protein (p.Leu531Val). The leucine residue is moderately conserved and there is a small physicochemical difference between leucine and valine.

NM_022089.4(ATP13A2):c.1591C>G (p.Leu531Val)

Gene: ATP13A2 (ATPase cation transporting 13A2; minus strand). Cytogenetic location: 1p36.13.
Variant type: single nucleotide variant.
Coding change: c.1591C>G on transcript NM_022089.4 (MANE Select); coding-DNA position 1591, C replaced by G.
Protein change: p.Leu531Val; replaces leucine 531 with valine.
Molecular consequence: missense variant.
Genome position (GRCh38, 1-based): chr1:16,993,787, G>C on the plus strand (C>G on the coding strand, the complement: ATP13A2 is on the minus strand). VCF-style: chr1-16993787-G-C. GRCh37 (hg19) VCF-style: chr1-17320282-G-C.
Other names: c.1576C>G, p.Leu526Val (NM_001141973.3, NM_001141974.3); short protein forms L526V, L531V.
Identifiers: ClinVar variation 1019440 (VCV001019440.5), dbSNP rs2077019135, ClinGen allele CA338248929.
Genomic context (GRCh38, chr1:16,993,787, plus strand): 5'-GGGGCCCCACAGGCAGGCGGCGAGGCTCTGGGACCAGGGGCAGGAATGCCTGCCCCTTCA[G>C]GGGCACCACCCCCATCACGTCTAAGCCGTCCTCAGTGAGGGTGCCCGTCTGTGGGAGACA-3'
Protein context (NP_071372.1, residues 521-541): DGLDVMGVVP[Leu531Val]KGQAFLPLVP